The following is an entry in ClinVar:

ClinVar aggregate classification (germline): Benign/Likely benign. Review status: criteria provided, multiple submitters, no conflicts (2 of 4 stars). 12 submissions from 12 submitters: Benign (6); Likely benign (3). 3 of the submissions do not count toward it. Last evaluated 2026-02-03.

Conditions:
Cardiovascular phenotype. Identifiers: MedGen CN230736.
Dilated cardiomyopathy 1M (CMD1M). Identifiers: Orphanet 154, MedGen C1843808, MONDO:0011840, OMIM 607482.
Hypertrophic cardiomyopathy 12. Identifiers: MedGen C2677491, MONDO:0012804, OMIM 612124.

Allele frequency attached by ClinVar (database versions not stated): gnomAD exomes 0.00033 and 0.00087; ExAC 0.00092; 1000 Genomes Project 30x 0.00234; 1000 Genomes Project 0.00240; gnomAD 0.00311 and 0.00332; TOPMed 0.00324; ESP Exome Variant Server 0.00377.
gnomAD v4.1: 978 of 1,577,920 alleles (0.062%); highest among the groups gnomAD compares: African/African-American, 1.1%; 8 homozygotes.

Submissions (12):

Labcorp Genetics (formerly Invitae), Labcorp
Classification: Benign for Hypertrophic cardiomyopathy 12; Dilated cardiomyopathy 1M. Last evaluated: 2026-02-03. Review status: criteria provided, single submitter. Criteria: Invitae Variant Classification Sherloc (09022015). Collection method: clinical testing. Allele origin: germline.

Genomic Medicine Center of Excellence, King Faisal Specialist Hospital and Research Centre
Classification: Likely benign. Last evaluated: 2025-08-18. Review status: criteria provided, single submitter. Criteria: ACMG Guidelines, 2015. Collection method: clinical testing. Allele origin: germline.

Blueprint Genetics
Classification: Likely benign. Last evaluated: 2024-11-01. Review status: criteria provided, single submitter. Criteria: ACMG Guidelines, 2015. Collection method: clinical testing. Allele origin: germline.

ARUP Laboratories, Molecular Genetics and Genomics, ARUP Laboratories
Classification: Benign. Last evaluated: 2023-11-29. Review status: criteria provided, single submitter. Criteria: ARUP Molecular Germline Variant Investigation Process 2024. Collection method: clinical testing. Allele origin: germline.

Women's Health and Genetics/Laboratory Corporation of America, LabCorp
Classification: Benign. Last evaluated: 2020-08-31. Review status: criteria provided, single submitter. Criteria: LabCorp Variant Classification Summary - May 2015. Collection method: clinical testing. Allele origin: germline.
Comment: Variant summary: CSRP3 c.508+18C>T alters a not conserved nucleotide located close to a canonical splice site and therefore could affect mRNA splicing, leading to a significantly altered protein sequence. 4/4 computational tools predict no significant impact on normal splicing. However, these predictions have yet to be confirmed by functional studies. The variant allele was found at a frequency of 0.0033 in 143334 control chromosomes, predominantly at a frequency of 0.011 within the African or African-American subpopulation in the gnomAD database (gnomAD v3, genomes dataset), including 2 homozygotes. The observed variant frequency within African or African-American control individuals in the gnomAD database is approximately 440-fold of the estimated maximal expected allele frequency for a pathogenic variant in CSRP3 causing Cardiomyopathy phenotype (2.5e-05), strongly suggesting that the variant is a benign polymorphism found primarily in populations of African or African-American origin. To our knowledge, no occurrence of c.508+18C>T in individuals affected with Cardiomyopathy and no experimental evidence demonstrating its impact on protein function have been reported. No clinical diagnostic laboratories have submitted clinical-significance assessments for this variant to ClinVar after 2014. Based on the evidence outlined above, the variant was classified as benign.

Ambry Genetics
Classification: Likely benign for Cardiovascular phenotype. Last evaluated: 2015-11-16. Review status: criteria provided, single submitter. Criteria: Ambry Variant Classification Scheme 2023. Collection method: clinical testing. Allele origin: germline.

GeneDx
Classification: Benign. Last evaluated: 2014-07-28. Review status: criteria provided, single submitter. Criteria: GeneDx Variant Classification (06012015). Collection method: clinical testing. Allele origin: germline. Affected: yes.
Comment: This variant is considered likely benign or benign based on one or more of the following criteria: it is a conservative change, it occurs at a poorly conserved position in the protein, it is predicted to be benign by multiple in silico algorithms, and/or has population frequency not consistent with disease.

Breakthrough Genomics
Classification: Benign. Review status: criteria provided, single submitter. Criteria: ACMG Guidelines, 2015. Collection method: not provided. Allele origin: germline. Inheritance: Autosomal dominant inheritance. Affected: yes.

PreventionGenetics, part of Exact Sciences
Classification: Benign. Review status: criteria provided, single submitter. Criteria: ACMG Guidelines, 2015. Collection method: clinical testing. Allele origin: germline.

Clinical Genetics DNA and cytogenetics Diagnostics Lab, Erasmus MC, Erasmus Medical Center
Classification: Benign. Review status: no assertion criteria provided. Collection method: clinical testing. Allele origin: germline. Affected: yes. Study: VKGL Data-share Consensus. Not counted in ClinVar's aggregate classification.

Clinical Genetics, Academic Medical Center
Classification: Benign. Review status: no assertion criteria provided. Collection method: clinical testing. Allele origin: germline. Affected: yes. Study: VKGL Data-share Consensus. Not counted in ClinVar's aggregate classification.

Genome Diagnostics Laboratory, University Medical Center Utrecht
Classification: Benign. Review status: no assertion criteria provided. Collection method: clinical testing. Allele origin: germline. Affected: yes. Study: VKGL Data-share Consensus. Not counted in ClinVar's aggregate classification.

NM_003476.5(CSRP3):c.508+18C>T

Gene: CSRP3 (cysteine and glycine rich protein 3; minus strand). Cytogenetic location: 11p15.1.
Variant type: single nucleotide variant.
Coding change: c.508+18C>T on transcript NM_003476.5 (MANE Select); 18 bases into the intron after coding-DNA position 508, C replaced by T.
Molecular consequence: intron variant.
Genome position (GRCh38, 1-based): chr11:19,184,934, G>A on the plus strand (C>T on the coding strand, the complement: CSRP3 is on the minus strand). VCF-style: chr11-19184934-G-A. GRCh37 (hg19) VCF-style: chr11-19206481-G-A.
Other names: c.508+18C>T (LRG_440t1); c.339+18C>T (NM_001369404.1).
Identifiers: ClinVar variation 201690 (VCV000201690.26), dbSNP rs144404101, ClinGen allele CA335098.